The following is an entry in ClinVar:

ClinVar aggregate classification (germline): Uncertain significance (1 of 4 stars; one submission).

Allele frequency attached by ClinVar (database versions not stated): TOPMed 0.00001; gnomAD 0.00001.
gnomAD v4.1: 9 of 1,613,706 alleles (0.00056%); highest among the groups gnomAD compares: African/African-American, 0.0013%; no homozygotes.

Submission:

Labcorp Genetics (formerly Invitae), Labcorp
Classification: Uncertain significance. Last evaluated: 2022-06-20. Review status: criteria provided, single submitter. Criteria: Invitae Variant Classification Sherloc (09022015). Collection method: clinical testing. Allele origin: germline.
Comment: This sequence change replaces arginine, which is basic and polar, with cysteine, which is neutral and slightly polar, at codon 323 of the CDH23 protein (p.Arg323Cys). This variant is present in population databases (rs562475871, gnomAD 0.004%). This variant has not been reported in the literature in individuals affected with CDH23-related conditions. Algorithms developed to predict the effect of missense changes on protein structure and function are either unavailable or do not agree on the potential impact of this missense change (SIFT: "Deleterious"; PolyPhen-2: "Not Available"; Align-GVGD: "Class C65"). In summary, the available evidence is currently insufficient to determine the role of this variant in disease. Therefore, it has been classified as a Variant of Uncertain Significance.

NM_022124.6(CDH23):c.967C>T (p.Arg323Cys)

Gene: CDH23 (cadherin related 23; plus strand). Cytogenetic location: 10q22.1.
Variant type: single nucleotide variant.
Coding change: c.967C>T on transcript NM_022124.6 (MANE Select); coding-DNA position 967, C replaced by T.
Protein change: p.Arg323Cys; replaces arginine 323 with cysteine.
Molecular consequence: missense variant.
Genome position (GRCh38, 1-based): chr10:71,617,226, C>T. VCF-style: chr10-71617226-C-T. GRCh37 (hg19) VCF-style: chr10-73376983-C-T.
Other names: c.967C>T, p.Arg323Cys (NM_001171930.2, NM_001171931.2, NM_001171932.2 and 1 more transcripts); short protein forms R323C.
Identifiers: ClinVar variation 1428559 (VCV001428559.5), dbSNP rs562475871, ClinGen allele CA5543610.